The following is an entry in ClinVar:

NM_001267550.2(TTN):c.80299G>A (p.Val26767Ile)

Genes: TTN (titin; minus strand), TTN-AS1 (TTN antisense RNA 1; plus strand). Cytogenetic location: 2q31.2.
Variant type: single nucleotide variant.
Coding change: c.80299G>A on transcript NM_001267550.2 (MANE Select); coding-DNA position 80299, G replaced by A.
Protein change: p.Val26767Ile; replaces valine 26767 with isoleucine.
Molecular consequence: missense variant.
Genome position (GRCh38, 1-based): chr2:178,565,833, C>T on the plus strand (G>A on the coding strand, the complement: TTN is on the minus strand). VCF-style: chr2-178565833-C-T. GRCh37 (hg19) VCF-style: chr2-179430560-C-T.
Other names: c.75376G>A, p.Val25126Ile (NM_001256850.1); c.53104G>A, p.Val17702Ile (NM_003319.4); c.72595G>A, p.Val24199Ile (NM_133378.4); c.53479G>A, p.Val17827Ile (NM_133432.3); c.53680G>A, p.Val17894Ile (NM_133437.4); short protein forms V17702I, V17827I, V17894I, V24199I, V25126I, V26767I.
Identifiers: ClinVar variation 1211070 (VCV001211070.27), dbSNP rs1559345492, ClinGen allele CA349589616.
Genomic context (GRCh38, chr2:178,565,833, plus strand): 5'-CCTTTCCTGGTGGGGAAGGAGGTTCAGCAGCTTTCACGGCATCAACAGTTTCCACTGGAA[C>T]ACCAACTCCAAATTCATTTTCAGCCATGACTCTGAAGTAATAAATGGCTCCTTCTGTAAG-3'
Protein context (NP_001254479.2, residues 26757-26777): VMAENEFGVG[Val26767Ile]PVETVDAVKA

ClinVar aggregate classification (germline): Likely benign. Review status: criteria provided, multiple submitters, no conflicts (2 of 4 stars). 2 submissions from 2 submitters: Likely benign (2). Last evaluated 2022-12-01.

Allele frequency attached by ClinVar (database versions not stated): gnomAD 0.00001.
gnomAD v4.1: 3 of 1,613,512 alleles (0.00019%); highest among the groups gnomAD compares: Non-Finnish European, 0.00025%; no homozygotes.

Submissions (2):

CeGaT Center for Human Genetics Tuebingen
Classification: Likely benign. Last evaluated: 2022-12-01. Review status: criteria provided, single submitter. Criteria: CeGaT Center For Human Genetics Tuebingen Variant Classification Criteria Version 2. Collection method: clinical testing. Allele origin: germline. Affected: yes. Observed: 1 variant allele.
Comment: TTN: BP4

GeneDx
Classification: Likely benign. Last evaluated: 2020-10-28. Review status: criteria provided, single submitter. Criteria: GeneDx Variant Classification Process June 2021. Collection method: clinical testing. Allele origin: germline. Affected: yes.